The following is an entry in ClinVar:

ClinVar aggregate classification (germline): Conflicting classifications of pathogenicity. Review status: criteria provided, conflicting classifications (1 of 4 stars). 14 submissions from 14 submitters: Uncertain significance (11); Likely benign (2). 1 of the submissions does not count toward it. Last evaluated 2026-09-09.

Conditions:
Hereditary cancer. Identifiers: MedGen C1333600.
Inherited prostate cancer.
Hereditary nonpolyposis colorectal neoplasms. Identifiers: MedGen C0009405, MeSH D003123.
Hereditary cancer-predisposing syndrome. Also called: Neoplastic Syndromes, Hereditary; Hereditary Cancer Syndrome; Tumor predisposition; Hereditary neoplastic syndrome. Identifiers: Orphanet 140162, MedGen C0027672, MeSH D009386, MONDO:0015356.
Lynch syndrome. Identifiers: Orphanet 144, MedGen C4552100, MONDO:0005835. Disease mechanism: loss of function.
Endometrial carcinoma. Also called: Endometrial carcinoma, somatic. Identifiers: MedGen C0476089, MONDO:0002447, OMIM 608089, HP:0012114.

Allele frequency attached by ClinVar (database versions not stated): gnomAD exomes below 0.00001; ExAC 0.00001; TOPMed 0.00002.
gnomAD v4.1: 8 of 1,614,058 alleles (0.0005%); highest among the groups gnomAD compares: East Asian, 0.0022%; no homozygotes.

Submissions (14):

Cambridge Genomics Laboratory, East Genomic Laboratory Hub, NHS Genomic Medicine Service
Classification: Uncertain significance for Inherited prostate cancer. Last evaluated: 2026-09-09. Review status: criteria provided, single submitter. Criteria: ACGS Best Practice Guidelines for Variant Classification in Rare Disease 2020. Collection method: clinical testing. Allele origin: germline. Affected: yes.
Comment: PM2_Supporting

Labcorp Genetics (formerly Invitae), Labcorp
Classification: Likely benign for Hereditary nonpolyposis colorectal neoplasms. Last evaluated: 2026-01-25. Review status: criteria provided, single submitter. Criteria: Invitae Variant Classification Sherloc (09022015). Collection method: clinical testing. Allele origin: germline.

Women's Health and Genetics/Laboratory Corporation of America, LabCorp
Classification: Uncertain significance. Last evaluated: 2025-12-26. Review status: criteria provided, single submitter. Criteria: LabCorp Variant Classification Summary - May 2015. Collection method: clinical testing. Allele origin: germline.
Comment: Variant summary: MSH6 c.818G>T (p.Gly273Val) results in a non-conservative amino acid change in the encoded protein sequence. Algorithms developed to predict the effect of missense changes on protein structure and function are either unavailable or do not agree on the potential impact of this missense change. The variant allele was found at a frequency of 4e-06 in 251030 control chromosomes. The available data on variant occurrences in the general population are insufficient to allow any conclusion about variant significance. c.818G>T has been observed in individuals affected with hereditary cancer syndromes, breast cancer or sporadic pituitary macroadenomas (Vidal_2021, de Oliveira_2022, Gaspar_2025). These report(s) do not provide unequivocal conclusions about association of the variant with Lynch Syndrome. To our knowledge, no experimental evidence demonstrating an impact on protein function has been reported. The following publications have been ascertained in the context of this evaluation (PMID: 40248171, 33827469, 35534704). ClinVar contains an entry for this variant (Variation ID: 237215). Based on the evidence outlined above, the variant was classified as uncertain significance.

Dasa
Classification: Uncertain significance. Last evaluated: 2025-11-03. Review status: criteria provided, single submitter. Criteria: DASA Assertion Criteria. Collection method: clinical testing. Allele origin: germline.
Comment: NM_000179.3(MSH6):c.818G>T (p.Gly273Val) is a missense variant that results in the substitution of glycine with valine. This variant is rare in population databases. The currently available literature and clinical evidence are not sufficient to establish a definitive association between this variant and the reported condition. Therefore, this variant is classified as a variant of uncertain significance.

Catlab - Consorci Sanitari de Terrassa
Classification: Uncertain significance for Hereditary cancer-predisposing syndrome. Last evaluated: 2025-07-03. Review status: criteria provided, single submitter. Criteria: ClinGen CRC ACMG Specifications MSH6 V1.0.0. Collection method: clinical testing. Allele origin: germline.
Comment: Based on the currently available information, this variant is classified as Variant of Uncertain Significance according to ClinGen-MSH6 v1.0.0 guidelines. ACMG criteria: PM2_supp, PP4.

Color Diagnostics, LLC DBA Color Health
Classification: Uncertain significance for Hereditary cancer-predisposing syndrome. Last evaluated: 2025-04-28. Review status: criteria provided, single submitter. Criteria: ACMG Guidelines, 2015. Collection method: clinical testing. Allele origin: germline.
Comment: This missense variant replaces glycine with valine at codon 273 of the MSH6 protein. Computational prediction suggests that this variant may not impact protein structure and function. To our knowledge, functional studies have not been reported for this variant. This variant has not been reported in individuals affected with MSH6-related disorders in the literature. This variant has been identified in 1/251030 chromosomes in the general population by the Genome Aggregation Database (gnomAD). The available evidence is insufficient to determine the role of this variant in disease conclusively. Therefore, this variant is classified as a Variant of Uncertain Significance.

Quest Diagnostics Nichols Institute San Juan Capistrano
Classification: Uncertain significance. Last evaluated: 2024-06-06. Review status: criteria provided, single submitter. Criteria: Quest Diagnostics criteria. Collection method: clinical testing. Allele origin: unknown.
Comment: The MSH6 c.818G>T (p.Gly273Val) variant has been reported in the published literature in an individual with endometrial carcinoma whose tumor demonstrated high microsatellite instability and normal mismatch repair function (PMID: 36230473 (2022)). It was also reported in an individual with breast cancer with a family history of both breast and prostate cancers (PMID: 35534704 (2022)), as well as in an individual with an unspecified cancer (PMID: 33827469 (2021)). The frequency of this variant in the general population, 0.000004 (1/251030 chromosomes (Genome Aggregation Database)), is uninformative in the assessment of its pathogenicity. Analysis of this variant using bioinformatics tools for the prediction of the effect of amino acid changes on protein structure and function yielded predictions that this variant is benign. Additional analysis using software algorithms for the prediction of the effect of nucleotide changes on MSH6 mRNA splicing yielded predictions that this variant may result in the gain of a cryptic splice site without affecting the natural splice sites. Based on the available information, we are unable to determine the clinical significance of this variant.

Ambry Genetics
Classification: Uncertain significance for Hereditary cancer-predisposing syndrome. Last evaluated: 2024-02-20. Review status: criteria provided, single submitter. Criteria: Ambry Variant Classification Scheme 2023. Collection method: clinical testing. Allele origin: germline.
Comment: The p.G273V variant (also known as c.818G>T), located in coding exon 4 of the MSH6 gene, results from a G to T substitution at nucleotide position 818. The glycine at codon 273 is replaced by valine, an amino acid with dissimilar properties. This variant has been identified in a proband whose Lynch syndrome-associated tumor demonstrated high microsatellite instability and normal mismatch repair expression by immunohistochemistry (Yang RK et al. Cancers (Basel), 2022 Sep;14). This amino acid position is not well conserved in available vertebrate species. In addition, the in silico prediction for this alteration is inconclusive. Since supporting evidence is limited at this time, the clinical significance of this alteration remains unclear.

Mendelics
Classification: Likely benign for Hereditary cancer. Last evaluated: 2024-01-23. Review status: criteria provided, single submitter. Criteria: ACMG Guidelines, 2015. Collection method: clinical testing. Allele origin: unknown.

Baylor Genetics
Classification: Uncertain significance for Endometrial carcinoma. Last evaluated: 2023-12-21. Review status: criteria provided, single submitter. Criteria: ACMG Guidelines, 2015. Collection method: clinical testing. Allele origin: unknown.

GeneDx
Classification: Uncertain significance. Last evaluated: 2023-06-05. Review status: criteria provided, single submitter. Criteria: GeneDx Variant Classification Process June 2021. Collection method: clinical testing. Allele origin: germline. Affected: yes.
Comment: Not observed at significant frequency in large population cohorts (gnomAD); In silico analysis supports that this missense variant does not alter protein structure/function; Observed in an individual with endometrial carcinoma, which showed high microsatellite instability and proficient mismatch repair ability (Yang et al., 2022); This variant is associated with the following publications: (PMID: 33827469, 36230473)

All of Us Research Program, National Institutes of Health
Classification: Uncertain significance for Lynch syndrome. Last evaluated: 2023-05-31. Review status: criteria provided, single submitter. Criteria: ACMG Guidelines, 2015. Collection method: clinical testing. Allele origin: germline. Inheritance: Autosomal dominant inheritance. Observed: 1 variant allele, 1 heterozygote.
Comment: This missense variant replaces glycine with valine at codon 273 of the MSH6 protein. Computational prediction suggests that this variant may not impact protein structure and function (internally defined REVEL score threshold <= 0.5, PMID: 27666373). To our knowledge, functional studies have not been reported for this variant. This variant has not been reported in individuals affected with hereditary cancer in the literature. This variant has been identified in 1/251030 chromosomes in the general population by the Genome Aggregation Database (gnomAD). The available evidence is insufficient to determine the role of this variant in disease conclusively. Therefore, this variant is classified as a Variant of Uncertain Significance.

This study involves interpretation of variants in research participants for the purpose of population health screening. Participant phenotype was not available at the time of variant classification. Additional details can be found in publication PMID: 35346344, PMCID: PMC8962531

Sema4
Classification: Uncertain significance for Hereditary cancer-predisposing syndrome. Last evaluated: 2021-05-04. Review status: criteria provided, single submitter. Criteria: Sema4 Curation Guidelines. Collection method: curation. Allele origin: germline.
Comment: The MSH6 c.818G>T (p.G273V) variant has been reported in at least one individual with a personal and/or family history of a hereditary cancer predisposition syndrome (PMID: 33827469). It was observed in 1/113374 chromosomes of the Non-Finnish European subpopulation in the large and broad cohorts of the Genome Aggregation Database (PMID: 32461654). The variant has been reported in ClinVar (Variation ID 237215). In silico tools suggest the impact of the variant on protein function is inconclusive, though these predictions have not been confirmed by functional studies. The evidence is insufficient to meet ACMG/AMP criteria for classifying the variant as benign or pathogenic. Thus, the clinical significance of this variant is currently uncertain.

Mayo Clinic Laboratories, Mayo Clinic
Classification: Uncertain significance. Review status: no assertion criteria provided. Collection method: clinical testing. Allele origin: unknown. Not counted in ClinVar's aggregate classification.

Literature cited by the submitters: PubMed 35534704 (cited by Women's Health and Genetics/Laboratory Corporation of America, LabCorp and Quest Diagnostics Nichols Institute San Juan Capistrano); PubMed 40248171 (cited by Women's Health and Genetics/Laboratory Corporation of America, LabCorp); PubMed 33827469 (cited by 3 submitters); PubMed 36230473 (cited by Quest Diagnostics Nichols Institute San Juan Capistrano and Ambry Genetics).

NM_000179.3(MSH6):c.818G>T (p.Gly273Val)

Gene: MSH6 (mutS homolog 6; plus strand). Cytogenetic location: 2p16.3.
Variant type: single nucleotide variant.
Coding change: c.818G>T on transcript NM_000179.3 (MANE Select); coding-DNA position 818, G replaced by T.
Protein change: p.Gly273Val; replaces glycine 273 with valine.
Molecular consequence: missense variant. On other transcripts: 5 prime UTR variant (2).
Genome position (GRCh38, 1-based): chr2:47,798,801, G>T. VCF-style: chr2-47798801-G-T. GRCh37 (hg19) VCF-style: chr2-48025940-G-T.
Other names: c.428G>T, p.Gly143Val (NM_001281492.2); c.-89G>T (NM_001281493.2, NM_001281494.2); short protein forms G273V, G143V.
Identifiers: ClinVar variation 237215 (VCV000237215.37), dbSNP rs769610487, ClinGen allele CA073459.